The following is an entry in ClinVar:

ClinVar aggregate classification (germline): Uncertain significance (1 of 4 stars; one submission).

Conditions:
Gorlin syndrome. Also called: Nevoid Basal Cell Carcinoma Syndrome; Basal cell nevus syndrome. Identifiers: Orphanet 377, MedGen C0004779, MONDO:0007187.

Submission:

Labcorp Genetics (formerly Invitae), Labcorp
Classification: Uncertain significance for Gorlin syndrome. Last evaluated: 2021-11-29. Review status: criteria provided, single submitter. Criteria: Invitae Variant Classification Sherloc (09022015). Collection method: clinical testing. Allele origin: germline.
Comment: This variant has not been reported in the literature in individuals affected with PTCH1-related conditions. This variant is not present in population databases (gnomAD no frequency). This variant, c.6_11del, results in the deletion of 2 amino acid(s) of the PTCH1 protein (p.Ser3_Ala4del), but otherwise preserves the integrity of the reading frame. In summary, the available evidence is currently insufficient to determine the role of this variant in disease. Therefore, it has been classified as a Variant of Uncertain Significance.

NM_000264.5(PTCH1):c.6_11del (p.Ser3_Ala4del)

Genes: PTCH1 (patched 1; minus strand), LOC130002133 (ATAC-STARR-seq lymphoblastoid silent region 20071; plus strand). Cytogenetic location: 9q22.32.
Variant type: Deletion.
Coding change: c.6_11del on transcript NM_000264.5 (MANE Select); coding-DNA positions 6 to 11, 6 bases deleted (CTCGGC; older notation c.6_11delCTCGGC).
Protein change: p.Ser3_Ala4del.
Molecular consequence: inframe deletion, initiator codon variant. On other transcripts: non-coding transcript variant (1), intron variant (3).
Genome position (GRCh38, 1-based): chr9:95,508,351-95,508,356, GCCGAG deleted on the plus strand (CTCGGC on the coding strand, the reverse complement: PTCH1 is on the minus strand); deleting any 6 consecutive bases within chr9:95,508,351-95,508,359 gives the same sequence; the c. name uses the placement nearest the transcript's 3' end. VCF-style (leftmost placement, unchanged base first): chr9-95508350-AGCCGAG-A. GRCh37 (hg19) VCF-style: chr9-98270632-AGCCGAG-A.
Other names: c.6_11del, p.Ser3_Ala4del (NM_001354918.2); c.199-1757_199-1752del (NM_001083603.3); c.4-1757_4-1752del (NM_001083602.3, NM_001354919.2).
Identifiers: ClinVar variation 1395682 (VCV001395682.7), dbSNP rs2118910700, ClinGen allele CA2573144869.
Genomic context (GRCh38, chr9:95,508,350, plus strand): 5'-CGGGGCACCGATACAGCCGCTGCCGCCGCCGCCGCGGTCCTGGGGCTCGGCGGCGTTACC[AGCCGAG>A]GCCATGTTGCCGCCGCCGCCGCCGCCGCCGCGGGGACGGAGGCTTCCCGGGCGGCCCGGC-3'